The following is an entry in ClinVar:

NM_001830.4(CLCN4):c.1401C>T (p.Gly467=)

Gene: CLCN4 (Cl-/H+ antiporter 4; plus strand). Cytogenetic location: Xp22.2.
Variant type: single nucleotide variant.
Coding change: c.1401C>T on transcript NM_001830.4 (MANE Select); coding-DNA position 1401, C replaced by T.
Protein change: p.Gly467=; no amino-acid change (glycine 467 retained).
Molecular consequence: synonymous variant.
Genome position (GRCh38, 1-based): chrX:10,212,478, C>T. VCF-style: chrX-10212478-C-T. GRCh37 (hg19) VCF-style: chrX-10180518-C-T.
Other names: c.1119C>T, p.Gly373= (NM_001256944.2).
Identifiers: ClinVar variation 700016 (VCV000700016.15), dbSNP rs376621307, ClinGen allele CA10347230.

ClinVar aggregate classification (germline): Likely benign. Review status: criteria provided, multiple submitters, no conflicts (2 of 4 stars). 2 submissions from 2 submitters: Likely benign (2). Last evaluated 2025-10-07.

Allele frequency attached by ClinVar (database versions not stated): TOPMed 0.00004; gnomAD exomes 0.00005 and 0.00007; ExAC 0.00006; ESP Exome Variant Server 0.00028; gnomAD 0.00003 and 0.00004.
gnomAD v4.1: 78 of 1,209,533 alleles (0.0064%); highest among the groups gnomAD compares: Non-Finnish European, 0.0087%; no homozygotes.

Submissions (2):

Labcorp Genetics (formerly Invitae), Labcorp
Classification: Likely benign. Last evaluated: 2025-10-07. Review status: criteria provided, single submitter. Criteria: Invitae Variant Classification Sherloc (09022015). Collection method: clinical testing. Allele origin: germline.

CeGaT Center for Human Genetics Tuebingen
Classification: Likely benign. Last evaluated: 2025-09-01. Review status: criteria provided, single submitter. Criteria: CeGaT Center For Human Genetics Tuebingen Variant Classification Criteria Version 2. Collection method: clinical testing. Allele origin: germline. Affected: yes. Observed: 2 variant alleles.
Comment: CLCN4: BP4, BP7, BS2